The following is an entry in ClinVar:

NM_003331.5(TYK2):c.284G>A (p.Arg95Lys)

Gene: TYK2 (tyrosine kinase 2; minus strand). Cytogenetic location: 19p13.2.
Variant type: single nucleotide variant.
Coding change: c.284G>A on transcript NM_003331.5 (MANE Select); coding-DNA position 284, G replaced by A.
Protein change: p.Arg95Lys; replaces arginine 95 with lysine.
Molecular consequence: missense variant.
Genome position (GRCh38, 1-based): chr19:10,368,328, C>T on the plus strand (G>A on the coding strand, the complement: TYK2 is on the minus strand). VCF-style: chr19-10368328-C-T. GRCh37 (hg19) VCF-style: chr19-10479004-C-T.
Other names: c.284G>A (LRG_121t1); short protein forms R95K.
Identifiers: ClinVar variation 656402 (VCV000656402.8), dbSNP rs1599355965, ClinGen allele CA404020023.

ClinVar aggregate classification (germline): Uncertain significance (1 of 4 stars; one submission).

Conditions:
Immunodeficiency 35 (IMD35). Also called: TYK2 DEFICIENCY; HIES WITH ATYPICAL MYCOBACTERIOSIS, AUTOSOMAL RECESSIVE; HYPER-IgE SYNDROME WITH ATYPICAL MYCOBACTERIOSIS, AUTOSOMAL RECESSIVE; Susceptibility to infection due to TYK2 deficiency. Identifiers: Orphanet 331226, MedGen C1969086, MONDO:0012682, OMIM 611521.

Submission:

Labcorp Genetics (formerly Invitae), Labcorp
Classification: Uncertain significance for Immunodeficiency 35. Last evaluated: 2024-11-05. Review status: criteria provided, single submitter. Criteria: Invitae Variant Classification Sherloc (09022015). Collection method: clinical testing. Allele origin: germline.
Comment: This sequence change replaces arginine, which is basic and polar, with lysine, which is basic and polar, at codon 95 of the TYK2 protein (p.Arg95Lys). This variant is not present in population databases (gnomAD no frequency). This variant has not been reported in the literature in individuals affected with TYK2-related conditions. ClinVar contains an entry for this variant (Variation ID: 656402). An algorithm developed to predict the effect of missense changes on protein structure and function outputs the following: PolyPhen-2: "Benign". The lysine amino acid residue is found in multiple mammalian species, which suggests that this missense change does not adversely affect protein function. In summary, the available evidence is currently insufficient to determine the role of this variant in disease. Therefore, it has been classified as a Variant of Uncertain Significance.